The following is an entry in ClinVar:

NM_001733.7(C1R):c.445C>T (p.Arg149Trp)

Gene: C1R (complement C1r; minus strand). Cytogenetic location: 12p13.31.
Variant type: single nucleotide variant.
Coding change: c.445C>T on transcript NM_001733.7 (MANE Select); coding-DNA position 445, C replaced by T.
Protein change: p.Arg149Trp; replaces arginine 149 with tryptophan.
Molecular consequence: missense variant.
Genome position (GRCh38, 1-based): chr12:7,089,713, G>A on the plus strand (C>T on the coding strand, the complement: C1R is on the minus strand). VCF-style: chr12-7089713-G-A. GRCh37 (hg19) VCF-style: chr12-7242309-G-A.
Other names: p.Arg149Trp; c.487C>T, p.Arg163Trp (NM_001354346.2); short protein forms R149W, R163W.
Identifiers: ClinVar variation 992508 (VCV000992508.4), dbSNP rs373462345, ClinGen allele CA6424233.

ClinVar aggregate classification (germline): Conflicting classifications of pathogenicity. Review status: criteria provided, conflicting classifications (1 of 4 stars). 3 submissions from 3 submitters: Uncertain significance (2); Likely benign (1). Last evaluated 2025-05-05.

Conditions:
Ehlers-Danlos syndrome, periodontal type 1. Identifiers: Orphanet 75392, MedGen C4551499, MONDO:0020684, OMIM 130080.

Allele frequency attached by ClinVar (database versions not stated): TOPMed 0.00019; ESP Exome Variant Server 0.00024; gnomAD exomes 0.00003 and 0.00007; ExAC 0.00009; gnomAD 0.00012 and 0.00014.

Submissions (3):

Women's Health and Genetics/Laboratory Corporation of America, LabCorp
Classification: Likely benign. Last evaluated: 2025-05-05. Review status: criteria provided, single submitter. Criteria: LabCorp Variant Classification Summary - May 2015. Collection method: clinical testing. Allele origin: germline.
Comment: Variant summary: C1R c.445C>T (p.Arg149Trp) results in a non-conservative amino acid change in the encoded protein sequence. Algorithms developed to predict the effect of missense changes on protein structure and function are either unavailable or do not agree on the potential impact of this missense change. The variant allele was found at a frequency of 6.8e-05 in 248956 control chromosomes (gnomAD). The observed variant frequency is approximately 68.29 fold of the estimated maximal expected allele frequency for a pathogenic variant in C1R causing Ehlers-Danlos syndrome, periodontal type 1 phenotype (1e-06). To our knowledge, no occurrence of c.445C>T in individuals affected with Ehlers-Danlos syndrome, periodontal type 1 and no experimental evidence demonstrating its impact on protein function have been reported. ClinVar contains an entry for this variant (Variation ID: 992508). Based on the evidence outlined above, the variant was classified as likely benign.

Mayo Clinic Laboratories, Mayo Clinic
Classification: Uncertain significance. Last evaluated: 2024-05-09. Review status: criteria provided, single submitter. Criteria: ACMG Guidelines, 2015. Collection method: clinical testing. Allele origin: germline. Observed: 1 variant allele.

Center for Genomics, Ann and Robert H. Lurie Children's Hospital of Chicago
Classification: Uncertain significance for Ehlers-Danlos syndrome, periodontal type 1. Last evaluated: 2021-03-30. Review status: criteria provided, single submitter. Criteria: ACMG Guidelines, 2015. Collection method: clinical testing. Allele origin: germline.
Comment: C1R NM_001733.5 exon 4 p.Arg149Trp (c.445C>T): This variant has not been reported in the literature but is present in 0.05% (13/24174) of African alleles in the Genome Aggregation Database. Evolutionary conservation suggests that this variant may not impact the protein; computational predictive tools for this variant are unclear. In summary, data on this variant is insufficient for disease classification. Therefore, the clinical significance of this variant is uncertain.